The following is an entry in ClinVar:

NM_001098426.2(SMARCD2):c.181C>T (p.Pro61Ser)

Genes: SMARCD2 (SWI/SNF related BAF chromatin remodeling complex subunit D2; minus strand), LOC130061409 (ATAC-STARR-seq lymphoblastoid silent region 8832; plus strand). Cytogenetic location: 17q23.3.
Variant type: single nucleotide variant.
Coding change: c.181C>T on transcript NM_001098426.2 (MANE Select); coding-DNA position 181, C replaced by T.
Protein change: p.Pro61Ser; replaces proline 61 with serine.
Molecular consequence: missense variant.
Genome position (GRCh38, 1-based): chr17:63,842,494, G>A on the plus strand (C>T on the coding strand, the complement: SMARCD2 is on the minus strand). VCF-style: chr17-63842494-G-A. GRCh37 (hg19) VCF-style: chr17-61919854-G-A.
Other names: short protein forms P61S.
Identifiers: ClinVar variation 1521166 (VCV001521166.6), dbSNP rs1347742528, ClinGen allele CA400602062.

ClinVar aggregate classification (germline): Uncertain significance (1 of 4 stars; one submission).

Allele frequency attached by ClinVar (database versions not stated): gnomAD 0.00001; gnomAD exomes 0.00001; TOPMed 0.00001.

Submission:

Labcorp Genetics (formerly Invitae), Labcorp
Classification: Uncertain significance. Last evaluated: 2024-10-07. Review status: criteria provided, single submitter. Criteria: Invitae Variant Classification Sherloc (09022015). Collection method: clinical testing. Allele origin: germline.
Comment: This sequence change replaces proline, which is neutral and non-polar, with serine, which is neutral and polar, at codon 61 of the SMARCD2 protein (p.Pro61Ser). This variant is not present in population databases (gnomAD no frequency). This variant has not been reported in the literature in individuals affected with SMARCD2-related conditions. ClinVar contains an entry for this variant (Variation ID: 1521166). An algorithm developed to predict the effect of missense changes on protein structure and function (PolyPhen-2) suggests that this variant is likely to be disruptive. In summary, the available evidence is currently insufficient to determine the role of this variant in disease. Therefore, it has been classified as a Variant of Uncertain Significance.